The following is an entry in ClinVar:

NM_001127464.1:c.7256G>T

Gene: ZNF469 (zinc finger protein 469; plus strand).
Variant type: single nucleotide variant.
Identifiers: ClinVar variation 4209213 (VCV004209213.1).

ClinVar aggregate classification (germline): Uncertain significance (1 of 4 stars; one submission).

Conditions:
Cardiovascular phenotype. Identifiers: MedGen CN230736.

Submission:

Ambry Genetics
Classification: Uncertain significance for Cardiovascular phenotype. Last evaluated: 2025-08-12. Review status: criteria provided, single submitter. Criteria: Ambry Variant Classification Scheme 2023. Collection method: clinical testing. Allele origin: germline.
Comment: The p.R2419M variant (also known as c.7256G>T), located in coding exon 2 of the ZNF469 gene, results from a G to T substitution at nucleotide position 7256. The arginine at codon 2419 is replaced by methionine, an amino acid with similar properties. This amino acid position is conserved. In addition, this alteration is predicted to be tolerated by in silico analysis. Based on the available evidence, the clinical significance of this variant remains unclear.